The following is an entry in ClinVar:

ClinVar aggregate classification (germline): Uncertain significance. Review status: criteria provided, multiple submitters, no conflicts (2 of 4 stars). 2 submissions from 2 submitters: Uncertain significance (2). Last evaluated 2025-10-07.

Conditions:
Rhabdoid tumor predisposition syndrome 2 (RTPS2). Identifiers: Orphanet 231108, Orphanet 69077, MedGen C2750074, MONDO:0013224, OMIM 613325.
Hereditary cancer-predisposing syndrome. Also called: Neoplastic Syndromes, Hereditary; Tumor predisposition; Hereditary Cancer Syndrome; Hereditary neoplastic syndrome. Identifiers: Orphanet 140162, MedGen C0027672, MeSH D009386, MONDO:0015356.

Submissions (2):

Ambry Genetics
Classification: Uncertain significance for Hereditary cancer-predisposing syndrome. Last evaluated: 2025-10-07. Review status: criteria provided, single submitter. Criteria: Ambry Variant Classification Scheme 2023. Collection method: clinical testing. Allele origin: germline.
Comment: The p.P1331A variant (also known as c.3991C>G), located in coding exon 28 of the SMARCA4 gene, results from a C to G substitution at nucleotide position 3991. The proline at codon 1331 is replaced by alanine, an amino acid with highly similar properties. This amino acid position is highly conserved in available vertebrate species. In addition, the in silico prediction for this alteration is inconclusive. Based on the available evidence, the clinical significance of this variant remains unclear.

Labcorp Genetics (formerly Invitae), Labcorp
Classification: Uncertain significance for Rhabdoid tumor predisposition syndrome 2. Last evaluated: 2022-11-08. Review status: criteria provided, single submitter. Criteria: Invitae Variant Classification Sherloc (09022015). Collection method: clinical testing. Allele origin: germline.
Comment: In summary, the available evidence is currently insufficient to determine the role of this variant in disease. Therefore, it has been classified as a Variant of Uncertain Significance. Advanced modeling of protein sequence and biophysical properties (such as structural, functional, and spatial information, amino acid conservation, physicochemical variation, residue mobility, and thermodynamic stability) has been performed at Invitae for this missense variant, however the output from this modeling did not meet the statistical confidence thresholds required to predict the impact of this variant on SMARCA4 protein function. ClinVar contains an entry for this variant (Variation ID: 484895). This variant has not been reported in the literature in individuals affected with SMARCA4-related conditions. This sequence change replaces proline, which is neutral and non-polar, with alanine, which is neutral and non-polar, at codon 1331 of the SMARCA4 protein (p.Pro1331Ala). This variant is not present in population databases (gnomAD no frequency).

NM_003072.5(SMARCA4):c.3991C>G (p.Pro1331Ala)

Gene: SMARCA4 (SWI/SNF related BAF chromatin remodeling complex subunit ATPase 4; plus strand). Cytogenetic location: 19p13.2.
Variant type: single nucleotide variant.
Coding change: c.3991C>G on transcript NM_003072.5 (MANE Select); coding-DNA position 3991, C replaced by G.
Protein change: p.Pro1331Ala; replaces proline 1331 with alanine.
Molecular consequence: missense variant. On other transcripts: non-coding transcript variant (1).
Genome position (GRCh38, 1-based): chr19:11,034,953, C>G. VCF-style: chr19-11034953-C-G. GRCh37 (hg19) VCF-style: chr19-11145629-C-G.
Other names: c.3892C>G, p.Pro1298Ala (NM_001128846.2, NM_001128847.4, NM_001128848.2 and 2 more transcripts); c.3991C>G, p.Pro1331Ala (NM_001128849.3, NM_001387283.1, NM_001128844.3); short protein forms P1331A, P1298A.
Identifiers: ClinVar variation 484895 (VCV000484895.12), dbSNP rs1555785363, ClinGen allele CA404068067.